The following is an entry in ClinVar:

NM_130837.3(OPA1):c.616C>G (p.Pro206Ala)

Genes: OPA1 (OPA1 mitochondrial dynamin like GTPase; plus strand), OPA1-AS1 (OPA1 antisense RNA 1; minus strand). Cytogenetic location: 3q29.
Variant type: single nucleotide variant.
Coding change: c.616C>G on transcript NM_130837.3 (MANE Select); coding-DNA position 616, C replaced by G.
Protein change: p.Pro206Ala; replaces proline 206 with alanine.
Molecular consequence: missense variant. On other transcripts: non-coding transcript variant (1).
Genome position (GRCh38, 1-based): chr3:193,618,874, C>G. VCF-style: chr3-193618874-C-G. GRCh37 (hg19) VCF-style: chr3-193336663-C-G.
Other names: c.82C>G, p.Pro28Ala (NM_001354663.2); c.190C>G, p.Pro64Ala (NM_001354664.2); c.562C>G, p.Pro188Ala (NM_015560.3, NM_130836.3); c.454C>G, p.Pro152Ala (NM_130831.3, NM_130833.3); c.508C>G, p.Pro170Ala (NM_130832.3, NM_130835.3); c.616C>G, p.Pro206Ala (NM_130834.3); short protein forms P28A, P152A, P64A, P188A, P170A, P206A.
Identifiers: ClinVar variation 3687999 (VCV003687999.2).

ClinVar aggregate classification (germline): Uncertain significance (1 of 4 stars; one submission).

Submission:

Labcorp Genetics (formerly Invitae), Labcorp
Classification: Uncertain significance. Last evaluated: 2025-02-03. Review status: criteria provided, single submitter. Criteria: Invitae Variant Classification Sherloc (09022015). Collection method: clinical testing. Allele origin: germline.
Comment: This sequence change replaces proline, which is neutral and non-polar, with alanine, which is neutral and non-polar, at codon 188 of the OPA1 protein (p.Pro188Ala). This variant is not present in population databases (gnomAD no frequency). This variant has not been reported in the literature in individuals affected with OPA1-related conditions. Invitae Evidence Modeling of protein sequence and biophysical properties (such as structural, functional, and spatial information, amino acid conservation, physicochemical variation, residue mobility, and thermodynamic stability) indicates that this missense variant is not expected to disrupt OPA1 protein function with a negative predictive value of 95%. In summary, the available evidence is currently insufficient to determine the role of this variant in disease. Therefore, it has been classified as a Variant of Uncertain Significance.